The following is an entry in ClinVar:

ClinVar aggregate classification (germline): Pathogenic (1 of 4 stars; one submission).

Submission:

Labcorp Genetics (formerly Invitae), Labcorp
Classification: Pathogenic. Last evaluated: 2025-04-19. Review status: criteria provided, single submitter. Criteria: Invitae Variant Classification Sherloc (09022015). Collection method: clinical testing. Allele origin: germline.
Comment: This sequence change creates a premature translational stop signal (p.Ser1392Profs*52) in the TRIOBP gene. It is expected to result in an absent or disrupted protein product. Loss-of-function variants in TRIOBP are known to be pathogenic (PMID: 16385457, 16385458, 20510926). This variant is not present in population databases (gnomAD no frequency). This variant has not been reported in the literature in individuals affected with TRIOBP-related conditions. For these reasons, this variant has been classified as Pathogenic.

Literature cited by the submitters: PubMed 16385457; PubMed 16385458; PubMed 20510926.

NM_001039141.3(TRIOBP):c.4173del (p.Ser1392fs)

Gene: TRIOBP (TRIO and F-actin binding protein; plus strand). Cytogenetic location: 22q13.1.
Variant type: Deletion.
Coding change: c.4173del on transcript NM_001039141.3 (MANE Select); coding-DNA position 4173, one base deleted (G; older notation c.4173delG).
Protein change: p.Ser1392fs; shifts the reading frame from serine 1392.
Molecular consequence: frameshift variant.
Genome position (GRCh38, 1-based): chr22:37,734,509, G deleted; the last of 4 consecutive G bases (chr22:37,734,506-37,734,509); deleting any one gives the same sequence. VCF-style (leftmost placement, unchanged base first): chr22-37734505-AG-A. GRCh37 (hg19) VCF-style: chr22-38130512-AG-A.
Other names: short protein forms S1392fs.
Identifiers: ClinVar variation 4717913 (VCV004717913.1).